The following is an entry in ClinVar:

NM_178170.3(NEK8):c.1096G>A (p.Gly366Ser)

Gene: NEK8 (NIMA related kinase 8; plus strand). Cytogenetic location: 17q11.2.
Variant type: single nucleotide variant.
Coding change: c.1096G>A on transcript NM_178170.3 (MANE Select); coding-DNA position 1096, G replaced by A.
Protein change: p.Gly366Ser; replaces glycine 366 with serine.
Molecular consequence: missense variant.
Genome position (GRCh38, 1-based): chr17:28,738,119, G>A. VCF-style: chr17-28738119-G-A. GRCh37 (hg19) VCF-style: chr17-27065137-G-A.
Other names: short protein forms G366S.
Identifiers: ClinVar variation 1806787 (VCV001806787.2), dbSNP rs200428176, ClinGen allele CA8467309.

ClinVar aggregate classification (germline): Uncertain significance. Review status: criteria provided, multiple submitters, no conflicts (2 of 4 stars). 2 submissions from 2 submitters: Uncertain significance (2). Last evaluated 2025-09-02.

Conditions:
Nephronophthisis 9 (NPHP9). Identifiers: Orphanet 655, MedGen C3151188, MONDO:0013444, OMIM 613824.

Allele frequency attached by ClinVar (database versions not stated): gnomAD exomes 0.00001; TOPMed 0.00002; ExAC 0.00001; gnomAD 0.00001; 1000 Genomes Project 30x 0.00016; 1000 Genomes Project 0.00020.
gnomAD v4.1: 11 of 1,613,936 alleles (0.00068%); highest among the groups gnomAD compares: Admixed American, 0.0033%; no homozygotes.

Submissions (2):

Labcorp Genetics (formerly Invitae), Labcorp
Classification: Uncertain significance for Nephronophthisis 9. Last evaluated: 2025-09-02. Review status: criteria provided, single submitter. Criteria: Invitae Variant Classification Sherloc (09022015). Collection method: clinical testing. Allele origin: germline.
Comment: This sequence change replaces glycine, which is neutral and non-polar, with serine, which is neutral and polar, at codon 366 of the NEK8 protein (p.Gly366Ser). This variant is present in population databases (rs200428176, gnomAD 0.003%). This variant has not been reported in the literature in individuals affected with NEK8-related conditions. ClinVar contains an entry for this variant (Variation ID: 1806787). An algorithm developed to predict the effect of missense changes on protein structure and function (PolyPhen-2) suggests that this variant is likely to be tolerated. In summary, the available evidence is currently insufficient to determine the role of this variant in disease. Therefore, it has been classified as a Variant of Uncertain Significance.

GeneDx
Classification: Uncertain significance. Last evaluated: 2022-06-22. Review status: criteria provided, single submitter. Criteria: GeneDx Variant Classification Process June 2021. Collection method: clinical testing. Allele origin: germline. Affected: yes.
Comment: Not observed at significant frequency in large population cohorts (gnomAD); In silico analysis supports that this missense variant does not alter protein structure/function; Has not been previously published as pathogenic or benign to our knowledge